The following is an entry in ClinVar:

ClinVar aggregate classification (germline): Uncertain significance. Review status: criteria provided, multiple submitters, no conflicts (2 of 4 stars). 2 submissions from 2 submitters: Uncertain significance (2). Last evaluated 2024-12-24.

Conditions:
Hereditary cancer-predisposing syndrome. Also called: Neoplastic Syndromes, Hereditary; Tumor predisposition; Hereditary neoplastic syndrome; Hereditary Cancer Syndrome. Identifiers: Orphanet 140162, MedGen C0027672, MeSH D009386, MONDO:0015356.
BAP1-related tumor predisposition syndrome (TPDS1). Also called: Tumor susceptibility linked to germline BAP1 mutations; BAP1 tumor predisposition syndrome; TUMOR PREDISPOSITION SYNDROME 1; COMMON Syndrome. Identifiers: Orphanet 289539, MedGen C3280492, MONDO:0013692, OMIM 614327.

Submissions (2):

Labcorp Genetics (formerly Invitae), Labcorp
Classification: Uncertain significance for BAP1-related tumor predisposition syndrome. Last evaluated: 2024-12-24. Review status: criteria provided, single submitter. Criteria: Invitae Variant Classification Sherloc (09022015). Collection method: clinical testing. Allele origin: germline.
Comment: This sequence change replaces arginine, which is basic and polar, with lysine, which is basic and polar, at codon 238 of the BAP1 protein (p.Arg238Lys). This variant is not present in population databases (gnomAD no frequency). This variant has not been reported in the literature in individuals affected with BAP1-related conditions. ClinVar contains an entry for this variant (Variation ID: 826862). Invitae Evidence Modeling of protein sequence and biophysical properties (such as structural, functional, and spatial information, amino acid conservation, physicochemical variation, residue mobility, and thermodynamic stability) indicates that this missense variant is expected to disrupt BAP1 protein function with a positive predictive value of 80%. In summary, the available evidence is currently insufficient to determine the role of this variant in disease. Therefore, it has been classified as a Variant of Uncertain Significance.

Ambry Genetics
Classification: Uncertain significance for Hereditary cancer-predisposing syndrome. Last evaluated: 2019-08-22. Review status: criteria provided, single submitter. Criteria: Ambry Variant Classification Scheme 2023. Collection method: clinical testing. Allele origin: germline.
Comment: The p.R238K variant (also known as c.713G>A), located in coding exon 9 of the BAP1 gene, results from a G to A substitution at nucleotide position 713. The arginine at codon 238 is replaced by lysine, an amino acid with highly similar properties. This amino acid position is highly conserved in available vertebrate species. In addition, this alteration is predicted to be deleterious by in silico analysis. Since supporting evidence is limited at this time, the clinical significance of this alteration remains unclear.

NM_004656.4(BAP1):c.713G>A (p.Arg238Lys)

Gene: BAP1 (BRCA1 associated deubiquitinase 1; minus strand). Cytogenetic location: 3p21.1.
Variant type: single nucleotide variant.
Coding change: c.713G>A on transcript NM_004656.4 (MANE Select); coding-DNA position 713, G replaced by A.
Protein change: p.Arg238Lys; replaces arginine 238 with lysine.
Molecular consequence: missense variant.
Genome position (GRCh38, 1-based): chr3:52,406,323, C>T on the plus strand (G>A on the coding strand, the complement: BAP1 is on the minus strand). VCF-style: chr3-52406323-C-T. GRCh37 (hg19) VCF-style: chr3-52440339-C-T.
Other names: short protein forms R238K.
Identifiers: ClinVar variation 826862 (VCV000826862.6), dbSNP rs1578225161, ClinGen allele CA353107319.
Genomic context (GRCh38, chr3:52,406,323, plus strand): 5'-GCCTCTAGTACTGTCTGACGGTTCACCTTCAGCACATGCAGCCTGGCCTCATACTTGATC[C>T]TGCGGTCGGGCACCACTGCCATCAGGTTGAAGCGGATGTCGTGGTAGGGCTCCCTGCAGT-3'
Protein context (NP_004647.1, residues 228-248): FNLMAVVPDR[Arg238Lys]IKYEARLHVL